The following is an entry in ClinVar:

NM_001177316.2(SLC34A3):c.199C>T (p.Arg67Cys)

Gene: SLC34A3 (solute carrier family 34 member 3; plus strand). Cytogenetic location: 9q34.3.
Variant type: single nucleotide variant.
Coding change: c.199C>T on transcript NM_001177316.2 (MANE Select); coding-DNA position 199, C replaced by T.
Protein change: p.Arg67Cys; replaces arginine 67 with cysteine.
Molecular consequence: missense variant.
Genome position (GRCh38, 1-based): chr9:137,232,598, C>T. VCF-style: chr9-137232598-C-T. GRCh37 (hg19) VCF-style: chr9-140127050-C-T.
Other names: c.199C>T, p.Arg67Cys (NM_001177317.2, NM_080877.3); c.199C>T (NM_080877.2); short protein forms R67C.
Identifiers: ClinVar variation 1929728 (VCV001929728.6), dbSNP rs780222614, ClinGen allele CA5364271.

ClinVar aggregate classification (germline): Uncertain significance. Review status: criteria provided, multiple submitters, no conflicts (2 of 4 stars). 3 submissions from 3 submitters: Uncertain significance (3). Last evaluated 2026-02-18.

Conditions:
Autosomal recessive hypophosphatemic bone disease (HHRH). Also called: Hypophosphatemic rickets with hypercalciuria; HYPERCALCIURIC RICKETS. Identifiers: Orphanet 157215, MedGen C1853271, MONDO:0009431, OMIM 241530.

Allele frequency attached by ClinVar (database versions not stated): gnomAD exomes 0.00001; TOPMed 0.00001; gnomAD 0.00002.

Submissions (3):

GeneDx
Classification: Uncertain significance. Last evaluated: 2026-02-18. Review status: criteria provided, single submitter. Criteria: GeneDx Variant Classification Process June 2021. Collection method: clinical testing. Allele origin: germline.
Comment: In silico analysis suggests that this missense variant does not alter protein structure/function; Has not been previously published as a pathogenic or benign germline variant to our knowledge; This variant is associated with the following publications: (PMID: 27149842)

Labcorp Genetics (formerly Invitae), Labcorp
Classification: Uncertain significance. Last evaluated: 2024-11-05. Review status: criteria provided, single submitter. Criteria: Invitae Variant Classification Sherloc (09022015). Collection method: clinical testing. Allele origin: germline.
Comment: This sequence change replaces arginine, which is basic and polar, with cysteine, which is neutral and slightly polar, at codon 67 of the SLC34A3 protein (p.Arg67Cys). The frequency data for this variant in the population databases is considered unreliable, as metrics indicate poor data quality at this position in the gnomAD database. This variant has not been reported in the literature in individuals affected with SLC34A3-related conditions. ClinVar contains an entry for this variant (Variation ID: 1929728). Invitae Evidence Modeling of protein sequence and biophysical properties (such as structural, functional, and spatial information, amino acid conservation, physicochemical variation, residue mobility, and thermodynamic stability) indicates that this missense variant is not expected to disrupt SLC34A3 protein function with a negative predictive value of 80%. In summary, the available evidence is currently insufficient to determine the role of this variant in disease. Therefore, it has been classified as a Variant of Uncertain Significance.

Fulgent Genetics
Classification: Uncertain significance for Autosomal recessive hypophosphatemic bone disease. Last evaluated: 2024-05-08. Review status: criteria provided, single submitter. Criteria: ACMG Guidelines, 2015. Collection method: clinical testing. Allele origin: germline.